The following is an entry in ClinVar:

NM_001111125.3(IQSEC2):c.1321G>A (p.Asp441Asn)

Gene: IQSEC2 (IQ motif and Sec7 domain ArfGEF 2; minus strand). Cytogenetic location: Xp11.22.
Variant type: single nucleotide variant.
Coding change: c.1321G>A on transcript NM_001111125.3 (MANE Select); coding-DNA position 1321, G replaced by A.
Protein change: p.Asp441Asn; replaces aspartic acid 441 with asparagine.
Molecular consequence: missense variant.
Genome position (GRCh38, 1-based): chrX:53,254,610, C>T on the plus strand (G>A on the coding strand, the complement: IQSEC2 is on the minus strand). VCF-style: chrX-53254610-C-T. GRCh37 (hg19) VCF-style: chrX-53283792-C-T.
Other names: c.1321G>A, p.Asp441Asn (NM_001410736.1); c.706G>A, p.Asp236Asn (NM_015075.2); short protein forms D236N, D441N.
Identifiers: ClinVar variation 3602523 (VCV003602523.2).

ClinVar aggregate classification (germline): Uncertain significance (1 of 4 stars; one submission).

Submission:

GeneDx
Classification: Uncertain significance. Last evaluated: 2025-11-05. Review status: criteria provided, single submitter. Criteria: GeneDx Variant Classification Process June 2021. Collection method: clinical testing. Allele origin: germline. Affected: yes.
Comment: Not observed at significant frequency in large population cohorts (gnomAD); In silico analysis suggests that this missense variant does not alter protein structure/function; Has not been previously published as pathogenic or benign to our knowledge